The following is an entry in ClinVar:

ClinVar aggregate classification (germline): Uncertain significance (1 of 4 stars; one submission).

Submission:

Labcorp Genetics (formerly Invitae), Labcorp
Classification: Uncertain significance. Last evaluated: 2025-12-03. Review status: criteria provided, single submitter. Criteria: Invitae Variant Classification Sherloc (09022015). Collection method: clinical testing. Allele origin: germline.
Comment: This sequence change replaces proline, which is neutral and non-polar, with leucine, which is neutral and non-polar, at codon 621 of the SYNPO protein (p.Pro621Leu). This variant is present in population databases (rs758983841, gnomAD 0.0009%). This missense change has been observed in individual(s) with periventricular nodular heterotopia (PMID: 29738522). An algorithm developed to predict the effect of missense changes on protein structure and function (PolyPhen-2) suggests that this variant is likely to be tolerated. In summary, the available evidence is currently insufficient to determine the role of this variant in disease. Therefore, it has been classified as a Variant of Uncertain Significance.

Literature cited by the submitters: PubMed 29738522.

NM_007286.6(SYNPO):c.1862C>T (p.Pro621Leu)

Gene: SYNPO (synaptopodin; plus strand). Cytogenetic location: 5q33.1.
Variant type: single nucleotide variant.
Coding change: c.1862C>T on transcript NM_007286.6 (MANE Select); coding-DNA position 1862, C replaced by T.
Protein change: p.Pro621Leu; replaces proline 621 with leucine.
Molecular consequence: missense variant.
Genome position (GRCh38, 1-based): chr5:150,650,137, C>T. VCF-style: chr5-150650137-C-T. GRCh37 (hg19) VCF-style: chr5-150029699-C-T.
Other names: c.1862C>T, p.Pro621Leu (NM_001109974.3); c.2594C>T, p.Pro865Leu (NM_001166208.2, NM_001166209.2); short protein forms P865L, P621L.
Identifiers: ClinVar variation 4751538 (VCV004751538.1).